The following is an entry in ClinVar:

NM_004958.4(MTOR):c.4474C>G (p.Gln1492Glu)

Gene: MTOR (mechanistic target of rapamycin kinase; minus strand). Cytogenetic location: 1p36.22.
Variant type: single nucleotide variant.
Coding change: c.4474C>G on transcript NM_004958.4 (MANE Select); coding-DNA position 4474, C replaced by G.
Protein change: p.Gln1492Glu; replaces glutamine 1492 with glutamic acid.
Molecular consequence: missense variant.
Genome position (GRCh38, 1-based): chr1:11,150,222, G>C on the plus strand (C>G on the coding strand, the complement: MTOR is on the minus strand). VCF-style: chr1-11150222-G-C. GRCh37 (hg19) VCF-style: chr1-11210279-G-C.
Other names: c.4474C>G, p.Gln1492Glu (NM_001386500.1); c.3226C>G, p.Gln1076Glu (NM_001386501.1); short protein forms Q1076E, Q1492E.
Identifiers: ClinVar variation 3720045 (VCV003720045.2).

ClinVar aggregate classification (germline): Uncertain significance (1 of 4 stars; one submission).

Submission:

Labcorp Genetics (formerly Invitae), Labcorp
Classification: Uncertain significance. Last evaluated: 2025-11-04. Review status: criteria provided, single submitter. Criteria: Invitae Variant Classification Sherloc (09022015). Collection method: clinical testing. Allele origin: germline.
Comment: This sequence change replaces glutamine, which is neutral and polar, with glutamic acid, which is acidic and polar, at codon 1492 of the MTOR protein (p.Gln1492Glu). This variant is not present in population databases (gnomAD no frequency). This variant has not been reported in the literature in individuals affected with MTOR-related conditions. ClinVar contains an entry for this variant (Variation ID: 3720045). Invitae Evidence Modeling of protein sequence and biophysical properties (such as structural, functional, and spatial information, amino acid conservation, physicochemical variation, residue mobility, and thermodynamic stability) indicates that this missense variant is not expected to disrupt MTOR protein function with a negative predictive value of 95%. In summary, the available evidence is currently insufficient to determine the role of this variant in disease. Therefore, it has been classified as a Variant of Uncertain Significance.